The following is an entry in ClinVar:

ClinVar aggregate classification (germline): Pathogenic (1 of 4 stars; one submission).

Submission:

Labcorp Genetics (formerly Invitae), Labcorp
Classification: Pathogenic. Last evaluated: 2024-11-13. Review status: criteria provided, single submitter. Criteria: Invitae Variant Classification Sherloc (09022015). Collection method: clinical testing. Allele origin: germline.
Comment: This sequence change creates a premature translational stop signal (p.Asn606*) in the TCF12 gene. It is expected to result in an absent or disrupted protein product. Loss-of-function variants in TCF12 are known to be pathogenic (PMID: 23354436, 32620954). This variant is not present in population databases (gnomAD no frequency). This variant has not been reported in the literature in individuals affected with TCF12-related conditions. For these reasons, this variant has been classified as Pathogenic.

Literature cited by the submitters: PubMed 23354436; PubMed 32620954.

NM_207037.2(TCF12):c.1815dup (p.Asn606Ter)

Gene: TCF12 (transcription factor 12; plus strand). Cytogenetic location: 15q21.3.
Variant type: Duplication.
Coding change: c.1815dup on transcript NM_207037.2 (MANE Select); coding-DNA position 1815, one base duplicated (T; older notation c.1815dupT).
Protein change: p.Asn606Ter; replaces asparagine 606 with a stop codon.
Molecular consequence: nonsense.
Genome position (GRCh38, 1-based): chr15:57,273,099, T duplicated. VCF-style (leftmost placement, unchanged base first): chr15-57273098-C-CT. GRCh37 (hg19) VCF-style: chr15-57565296-C-CT.
Other names: c.1305dup, p.Asn436Ter (NM_001306219.3); c.1035dup, p.Asn346Ter (NM_001306220.3); c.1815dup, p.Asn606Ter (NM_001322151.2, NM_001322159.3, NM_001322162.2 and 1 more transcripts); c.1812dup, p.Asn605Ter (NM_001322152.2, NM_001322161.2); c.1158dup, p.Asn387Ter (NM_001322154.2); c.1641dup, p.Asn548Ter (NM_001322156.2); c.1743dup, p.Asn582Ter (NM_001322157.3, NM_001322165.2, NM_003205.4 and 1 more transcripts); c.1569dup, p.Asn524Ter (NM_001322158.2); and 2 more; short protein forms N346*, N412*, N606*, N387*, N582*, N436*, N524*, N548*.
Identifiers: ClinVar variation 3725154 (VCV003725154.2).
Genomic context (GRCh38, chr15:57,273,098, plus strand): 5'-ATGAAGATGAGGATTTGAACCCTGAACAGAAGATAGAAAGGGAGAAGGAGAGGCGGATGG[C>CT]TAACAATGCCAGAGAACGCTTACGCGTGCGGGATATTAATGAAGCATTCAAAGAGCTTGG-3'